The following is an entry in ClinVar:

ClinVar aggregate classification (germline): Uncertain significance. Review status: criteria provided, multiple submitters, no conflicts (2 of 4 stars). 2 submissions from 2 submitters: Uncertain significance (2). Last evaluated 2024-09-11.

Conditions:
Lynch syndrome. Identifiers: Orphanet 144, MedGen C4552100, MONDO:0005835. Disease mechanism: loss of function.
Hereditary cancer-predisposing syndrome. Also called: Neoplastic Syndromes, Hereditary; Tumor predisposition; Hereditary Cancer Syndrome; Hereditary neoplastic syndrome. Identifiers: Orphanet 140162, MedGen C0027672, MeSH D009386, MONDO:0015356.

Submissions (2):

All of Us Research Program, National Institutes of Health
Classification: Uncertain significance for Lynch syndrome. Last evaluated: 2024-09-11. Review status: criteria provided, single submitter. Criteria: ACMG Guidelines, 2015. Collection method: clinical testing. Allele origin: germline. Inheritance: Autosomal dominant inheritance. Observed: 1 variant allele, 1 heterozygote.
Comment: This study involves interpretation of variants in research participants for the purpose of population health screening. Participant phenotype was not available at the time of variant classification. Additional details can be found in publication PMID: 35346344, PMCID: PMC8962531

Ambry Genetics
Classification: Uncertain significance for Hereditary cancer-predisposing syndrome. Last evaluated: 2022-08-22. Review status: criteria provided, single submitter. Criteria: Ambry Variant Classification Scheme 2023. Collection method: clinical testing. Allele origin: germline.
Comment: The p.V23F variant (also known as c.67G>T), located in coding exon 2 of the PMS2 gene, results from a G to T substitution at nucleotide position 67. The valine at codon 23 is replaced by phenylalanine, an amino acid with highly similar properties. This amino acid position is conserved. In addition, this alteration is predicted to be deleterious by in silico analysis. Since supporting evidence is limited at this time, the clinical significance of this alteration remains unclear.

NM_000535.7(PMS2):c.67G>T (p.Val23Phe)

Gene: PMS2 (PMS1 homolog 2, mismatch repair system component; minus strand). Cytogenetic location: 7p22.1.
Variant type: single nucleotide variant.
Coding change: c.67G>T on transcript NM_000535.7 (MANE Select); coding-DNA position 67, G replaced by T.
Protein change: p.Val23Phe; replaces valine 23 with phenylalanine.
Molecular consequence: missense variant. On other transcripts: 5 prime UTR variant (8), non-coding transcript variant (1), intron variant (3).
Genome position (GRCh38, 1-based): chr7:6,005,988, C>A on the plus strand (G>T on the coding strand, the complement: PMS2 is on the minus strand). VCF-style: chr7-6005988-C-A. GRCh37 (hg19) VCF-style: chr7-6045619-C-A.
Other names: c.-339G>T (NM_001018040.1, NM_001322003.2, NM_001322005.2 and 11 more transcripts); c.67G>T, p.Val23Phe (NM_001322006.2, NM_001322014.2, NM_001406868.1 and 10 more transcripts); c.-149G>T (NM_001322007.2, NM_001406876.1, NM_001406883.1 and 4 more transcripts); c.-818G>T (NM_001322011.2, NM_001322012.2); c.-418G>T (NM_001322015.2, NM_001406875.1, NM_001406877.1 and 2 more transcripts); c.253G>T, p.Val85Phe (NM_001406866.1); c.-365G>T (NM_001406880.1); c.-286G>T (NM_001406888.1, NM_001406889.1, NM_001406892.1 and 5 more transcripts); and 4 more; short protein forms V23F, V85F.
Identifiers: ClinVar variation 1755520 (VCV001755520.3), dbSNP rs374830220, ClinGen allele CA366745125.